The following is an entry in ClinVar:

NM_001394062.1(MACF1):c.1515G>A (p.Met505Ile)

Gene: MACF1 (microtubule actin crosslinking factor 1; plus strand). Cytogenetic location: 1p34.3.
Variant type: single nucleotide variant.
Coding change: c.1515G>A on transcript NM_001394062.1 (MANE Select); coding-DNA position 1515, G replaced by A.
Protein change: p.Met505Ile; replaces methionine 505 with isoleucine.
Molecular consequence: missense variant.
Genome position (GRCh38, 1-based): chr1:39,287,292, G>A. VCF-style: chr1-39287292-G-A. GRCh37 (hg19) VCF-style: chr1-39752964-G-A.
Other names: c.1530G>A, p.Met510Ile (NM_012090.5); short protein forms M505I, M510I.
Identifiers: ClinVar variation 4990179 (VCV004990179.1).

ClinVar aggregate classification (germline): Uncertain significance (1 of 4 stars; one submission).

Conditions:
MACF1-related disorder. Also called: MACF1-related condition.

gnomAD v4.1: 1 of 1,613,718 alleles (0.000062%); highest among the groups gnomAD compares: African/African-American, 0.0013%; no homozygotes.

Submission:

PreventionGenetics, part of Exact Sciences
Classification: Uncertain significance for MACF1-related condition. Last evaluated: 2024-11-11. Review status: criteria provided, single submitter. Criteria: ACMG Guidelines, 2015. Collection method: clinical testing. Allele origin: germline.
Comment: The MACF1 c.1530G>A variant is predicted to result in the amino acid substitution p.Met510Ile. To our knowledge, this variant has not been reported in the literature or in a large population database (gnomAD), indicating this variant is rare. At this time, the clinical significance of this variant is uncertain due to the absence of conclusive functional and genetic evidence.